The following is an entry in ClinVar:

ClinVar aggregate classification (germline): Likely benign (0 of 4 stars; one submission).

Conditions:
PIK3C2B-related disorder. Also called: PIK3C2B-related condition.

Allele frequency attached by ClinVar (database versions not stated): ExAC 0.00015; gnomAD 0.00025; TOPMed 0.00034; ESP Exome Variant Server 0.00038; 1000 Genomes Project 0.00040; 1000 Genomes Project 30x 0.00062.
gnomAD v4.1: 100 of 1,613,404 alleles (0.0062%); highest among the groups gnomAD compares: African/African-American, 0.065%; 1 homozygote.

Submission:

PreventionGenetics, part of Exact Sciences
Classification: Likely benign for PIK3C2B-related condition. Last evaluated: 2024-06-28. Review status: no assertion criteria provided. Collection method: clinical testing. Allele origin: germline.
Comment: This variant is classified as likely benign based on ACMG/AMP sequence variant interpretation guidelines (Richards et al. 2015 PMID: 25741868, with internal and published modifications).

NM_001377334.1(PIK3C2B):c.1983C>T (p.Gly661=)

Gene: PIK3C2B (phosphatidylinositol-4-phosphate 3-kinase catalytic subunit type 2 beta; minus strand). Cytogenetic location: 1q32.1.
Variant type: single nucleotide variant.
Coding change: c.1983C>T on transcript NM_001377334.1 (MANE Select); coding-DNA position 1983, C replaced by T.
Protein change: p.Gly661=; no amino-acid change (glycine 661 retained).
Molecular consequence: synonymous variant.
Genome position (GRCh38, 1-based): chr1:204,454,752, G>A on the plus strand (C>T on the coding strand, the complement: PIK3C2B is on the minus strand). VCF-style: chr1-204454752-G-A. GRCh37 (hg19) VCF-style: chr1-204423880-G-A.
Other names: c.1983C>T, p.Gly661= (NM_001377335.1, NM_002646.4).
Identifiers: ClinVar variation 3057600 (VCV003057600.2), dbSNP rs376149688, ClinGen allele CA1347820.
Genomic context (GRCh38, chr1:204,454,752, plus strand): 5'-GAAGAGGTACTTGGAGAAGTGAGCTCTTCGGGTCTGCAGGGGGCTGCACAGCTCCTTGCC[G>A]CCATGGCTGAGGGAGCAGGAGAGGTAGAAATCTTCATAGCTATAAAAGAAAGGGAGCAGG-3'
Protein context (NP_001364263.1, residues 651-671): DFYLSCSLSH[Gly661=]GKELCSPLQT